The following is an entry in ClinVar:

NM_000139.5(MS4A2):c.171G>A (p.Glu57=)

Gene: MS4A2 (membrane spanning 4-domains A2; plus strand). Cytogenetic location: 11q12.1.
Variant type: single nucleotide variant.
Coding change: c.171G>A on transcript NM_000139.5 (MANE Select); coding-DNA position 171, G replaced by A.
Protein change: p.Glu57=; no amino-acid change (glutamic acid 57 retained).
Molecular consequence: synonymous variant.
Genome position (GRCh38, 1-based): chr11:60,089,806, G>A. VCF-style: chr11-60089806-G-A. GRCh37 (hg19) VCF-style: chr11-59857279-G-A.
Other names: c.171G>A, p.Glu57= (NM_001256916.2).
Identifiers: ClinVar variation 3043886 (VCV003043886.2), dbSNP rs760245224, ClinGen allele CA6022685.
Genomic context (GRCh38, chr11:60,089,806, plus strand): 5'-ACTATTGAAGTCGGCCTCATCCCCACCACTGCATACATGGCTGACAGTTTTGAAAAAAGA[G>A]CAGGAGTTCCTGGGGGTGAGTGAGCCTCCTCCAACTTTGACTAGAGTAAGGGTTGGGTCT-3'
Protein context (NP_000130.1, residues 47-67): LHTWLTVLKK[Glu57=]QEFLGVTQIL

ClinVar aggregate classification (germline): Likely benign (0 of 4 stars; one submission).

Conditions:
MS4A2-related disorder. Also called: MS4A2-related condition.

Allele frequency attached by ClinVar (database versions not stated): ExAC 0.00001; gnomAD exomes 0.00001; TOPMed 0.00002; gnomAD 0.00003.
gnomAD v4.1: 18 of 1,614,000 alleles (0.0011%); highest among the groups gnomAD compares: Non-Finnish European, 0.0013%; no homozygotes.

Submission:

PreventionGenetics, part of Exact Sciences
Classification: Likely benign for MS4A2-related condition. Last evaluated: 2019-06-05. Review status: no assertion criteria provided. Collection method: clinical testing. Allele origin: germline.
Comment: This variant is classified as likely benign based on ACMG/AMP sequence variant interpretation guidelines (Richards et al. 2015 PMID: 25741868, with internal and published modifications).